The following is an entry in ClinVar:

ClinVar aggregate classification (germline): Conflicting classifications of pathogenicity. Review status: criteria provided, conflicting classifications (1 of 4 stars). 5 submissions from 5 submitters: Uncertain significance (3); Likely benign (1). 1 of the submissions does not count toward it. Last evaluated 2025-10-19.

Conditions:
FANCA-related disorder. Also called: FANCA-related condition.
Fanconi anemia (FA). Also called: Fanconi's anemia. Identifiers: Orphanet 84, MedGen C0015625, MeSH D005199, MONDO:0019391.
Fanconi anemia complementation group A (FANCA). Also called: FANCA-Related Fanconi Anemia; Fanconi anemia, group A. Identifiers: Orphanet 84, MedGen C3469521, MONDO:0009215, OMIM 227650.

Allele frequency attached by ClinVar (database versions not stated): gnomAD exomes 0.00001 and 0.00003; gnomAD 0.00002; TOPMed 0.00005; ExAC 0.00006; 1000 Genomes Project 0.00020; 1000 Genomes Project 30x 0.00031.
gnomAD v4.1: 14 of 1,614,174 alleles (0.00087%); highest among the groups gnomAD compares: Admixed American, 0.015%; no homozygotes.

Submissions (5):

Labcorp Genetics (formerly Invitae), Labcorp
Classification: Likely benign for Fanconi anemia. Last evaluated: 2025-10-19. Review status: criteria provided, single submitter. Criteria: Invitae Variant Classification Sherloc (09022015). Collection method: clinical testing. Allele origin: germline.

PreventionGenetics, part of Exact Sciences
Classification: Uncertain significance for FANCA-related condition. Last evaluated: 2025-08-11. Review status: criteria provided, single submitter. Criteria: ACMG Guidelines, 2015. Collection method: clinical testing. Allele origin: germline.
Comment: The FANCA c.778G>A variant is predicted to result in the amino acid substitution p.Glu260Lys. This variant has been reported in a study of patients with aplastic anemia and idiopathic pulmonary fibrosis with short telomeres, however additional information was not provided (Arias-Salgado et al. 2019. PubMed ID: 30995915). This variant is reported in 0.0087% of alleles in individuals of Latino descent in gnomAD and has conflicting interpretations regarding its pathogenicity in ClinVar, ranging from uncertain significance to likely benign (Variation ID: 498553). At this time, the clinical significance of this variant is uncertain due to the absence of conclusive functional and genetic evidence.

Fulgent Genetics
Classification: Uncertain significance for Fanconi anemia complementation group A. Last evaluated: 2022-05-16. Review status: criteria provided, single submitter. Criteria: ACMG Guidelines, 2015. Collection method: clinical testing. Allele origin: unknown.

Eurofins Ntd Llc (ga)
Classification: Uncertain significance. Last evaluated: 2016-11-09. Review status: criteria provided, single submitter. Criteria: EGL Classification Definitions 2015. Collection method: clinical testing. Allele origin: germline. Observed: 2 variant alleles, 2 heterozygotes.

Natera, Inc.
Classification: Uncertain significance for Fanconi anemia. Last evaluated: 2020-05-18. Review status: no assertion criteria provided. Collection method: clinical testing. Allele origin: germline. Not counted in ClinVar's aggregate classification.

NM_000135.4(FANCA):c.778G>A (p.Glu260Lys)

Gene: FANCA (FA complementation group A; minus strand). Cytogenetic location: 16q24.3.
Variant type: single nucleotide variant.
Coding change: c.778G>A on transcript NM_000135.4 (MANE Select); coding-DNA position 778, G replaced by A.
Protein change: p.Glu260Lys; replaces glutamic acid 260 with lysine.
Molecular consequence: missense variant.
Genome position (GRCh38, 1-based): chr16:89,803,273, C>T on the plus strand (G>A on the coding strand, the complement: FANCA is on the minus strand). VCF-style: chr16-89803273-C-T. GRCh37 (hg19) VCF-style: chr16-89869681-C-T.
Other names: c.778G>A, p.Glu260Lys (NM_001018112.3, NM_001286167.3); c.682G>A, p.Glu228Lys (NM_001351830.2); short protein forms E260K, E228K.
Identifiers: ClinVar variation 498553 (VCV000498553.15), dbSNP rs201992220, ClinGen allele CA8252812.